The following is an entry in ClinVar:

NM_017799.4(TMEM260):c.1790C>T (p.Pro597Leu)

Gene: TMEM260 (transmembrane protein 260; plus strand). Cytogenetic location: 14q22.3.
Variant type: single nucleotide variant.
Coding change: c.1790C>T on transcript NM_017799.4 (MANE Select); coding-DNA position 1790, C replaced by T.
Protein change: p.Pro597Leu; replaces proline 597 with leucine.
Molecular consequence: missense variant.
Genome position (GRCh38, 1-based): chr14:56,636,519, C>T. VCF-style: chr14-56636519-C-T. GRCh37 (hg19) VCF-style: chr14-57103237-C-T.
Other names: short protein forms P597L.
Identifiers: ClinVar variation 2378612 (VCV002378612.4), dbSNP rs201705257, ClinGen allele CA7200244.

ClinVar aggregate classification (germline): Uncertain significance. Review status: criteria provided, multiple submitters, no conflicts (2 of 4 stars). 2 submissions from 2 submitters: Uncertain significance (2). Last evaluated 2025-08-06.

Conditions:
Inborn genetic diseases. Identifiers: MedGen C0950123, MeSH D030342.

Allele frequency attached by ClinVar (database versions not stated): 1000 Genomes Project 30x 0.00047; ESP Exome Variant Server 0.00023; 1000 Genomes Project 0.00040.
gnomAD v4.1: 439 of 1,613,764 alleles (0.027%); highest among the groups gnomAD compares: Admixed American, 0.05%; no homozygotes.

Submissions (2):

GeneDx
Classification: Uncertain significance. Last evaluated: 2025-08-06. Review status: criteria provided, single submitter. Criteria: GeneDx Variant Classification Process June 2021. Collection method: clinical testing. Allele origin: germline. Affected: yes.
Comment: In silico analysis suggests that this missense variant does not alter protein structure/function; Has not been previously published as pathogenic or benign to our knowledge; In silico analysis is inconclusive as to whether the variant alters gene splicing. In the absence of RNA/functional studies, the actual effect of this sequence change is unknown.

Ambry Genetics
Classification: Uncertain significance for Inborn genetic diseases. Last evaluated: 2024-12-04. Review status: criteria provided, single submitter. Criteria: Ambry Variant Classification Scheme 2023. Collection method: clinical testing. Allele origin: germline.